The following is an entry in ClinVar:

NM_000271.5(NPC1):c.1368_1369del (p.Ser456_Tyr457insTer)

Gene: NPC1 (NPC intracellular cholesterol transporter 1; minus strand). Cytogenetic location: 18q11.2.
Variant type: Deletion.
Coding change: c.1368_1369del on transcript NM_000271.5 (MANE Select); coding-DNA positions 1368 to 1369, 2 bases deleted (TT; older notation c.1368_1369delTT).
Protein change: p.Ser456_Tyr457insTer.
Molecular consequence: frameshift variant.
Genome position (GRCh38, 1-based): chr18:23,554,942-23,554,943, AA deleted on the plus strand (TT on the coding strand, the reverse complement: NPC1 is on the minus strand). VCF-style (leftmost placement, unchanged base first): chr18-23554941-TAA-T. GRCh37 (hg19) VCF-style: chr18-21134905-TAA-T.
Identifiers: ClinVar variation 956957 (VCV000956957.7), dbSNP rs2058928573, ClinGen allele CA1139665986.

ClinVar aggregate classification (germline): Pathogenic (1 of 4 stars; one submission).

Conditions:
Niemann-Pick disease, type C1. Also called: NEUROVISCERAL STORAGE DISEASE WITH VERTICAL SUPRANUCLEAR OPHTHALMOPLEGIA; NIEMANN-PICK DISEASE WITH CHOLESTEROL ESTERIFICATION BLOCK; NIEMANN-PICK DISEASE WITHOUT SPHINGOMYELINASE DEFICIENCY; NIEMANN-PICK DISEASE, CHRONIC NEURONOPATHIC FORM; NIEMANN-PICK DISEASE, VARIANT TYPE C1. Identifiers: Orphanet 646, MedGen C3179455, MONDO:0009757, OMIM 257220.

Submission:

Labcorp Genetics (formerly Invitae), Labcorp
Classification: Pathogenic for Niemann-Pick disease, type C1. Last evaluated: 2019-09-21. Review status: criteria provided, single submitter. Criteria: Invitae Variant Classification Sherloc (09022015). Collection method: clinical testing. Allele origin: germline.
Comment: Loss-of-function variants in NPC1 are known to be pathogenic (PMID: 9211850). For these reasons, this variant has been classified as Pathogenic. This variant has not been reported in the literature in individuals with NPC1-related conditions. This variant is not present in population databases (ExAC no frequency). This sequence change creates a premature translational stop signal (p.Tyr457*) in the NPC1 gene. It is expected to result in an absent or disrupted protein product.

Literature cited by the submitters: PubMed 9211850.